The following is an entry in ClinVar:

NM_000179.3(MSH6):c.3298A>G (p.Thr1100Ala)

Gene: MSH6 (mutS homolog 6; plus strand). Cytogenetic location: 2p16.3.
Variant type: single nucleotide variant.
Coding change: c.3298A>G on transcript NM_000179.3 (MANE Select); coding-DNA position 3298, A replaced by G.
Protein change: p.Thr1100Ala; replaces threonine 1100 with alanine.
Molecular consequence: missense variant. On other transcripts: non-coding transcript variant (5), intron variant (1).
Genome position (GRCh38, 1-based): chr2:47,803,545, A>G. VCF-style: chr2-47803545-A-G. GRCh37 (hg19) VCF-style: chr2-48030684-A-G.
Other names: c.2908A>G, p.Thr970Ala (NM_001281492.2); c.2392A>G, p.Thr798Ala (NM_001281493.2, NM_001281494.2, NM_001406811.1 and 6 more transcripts); c.3394A>G, p.Thr1132Ala (NM_001406795.1, NM_001406802.1); c.3298A>G, p.Thr1100Ala (NM_001406796.1, NM_001406800.1, NM_001406808.1 and 1 more transcripts); c.3001A>G, p.Thr1001Ala (NM_001406797.1, NM_001406801.1, NM_001406805.1 and 10 more transcripts); c.2773A>G, p.Thr925Ala (NM_001406799.1, NM_001406806.1, NM_001406807.1); c.2434A>G, p.Thr812Ala (NM_001406803.1); c.3220A>G, p.Thr1074Ala (NM_001406804.1); and 7 more; short protein forms T1001A, T1044A, T1074A, T1100A, T1102A, T1132A, T27A, T415A.
Identifiers: ClinVar variation 3076147 (VCV003076147.2), dbSNP rs2104478819, ClinGen allele CA346758489.

ClinVar aggregate classification (germline): Uncertain significance. Review status: criteria provided, multiple submitters, no conflicts (2 of 4 stars). 2 submissions from 2 submitters: Uncertain significance (2). Last evaluated 2025-06-23.

Conditions:
Hereditary cancer-predisposing syndrome. Also called: Neoplastic Syndromes, Hereditary; Tumor predisposition; Hereditary neoplastic syndrome; Hereditary Cancer Syndrome. Identifiers: Orphanet 140162, MedGen C0027672, MeSH D009386, MONDO:0015356.

Submissions (2):

Color Diagnostics, LLC DBA Color Health
Classification: Uncertain significance for Hereditary cancer-predisposing syndrome. Last evaluated: 2025-06-23. Review status: criteria provided, single submitter. Criteria: ACMG Guidelines, 2015. Collection method: clinical testing. Allele origin: germline.
Comment: This missense variant replaces threonine with alanine at codon 1100 of the MSH6 protein. Computational prediction suggests that this variant may not impact protein structure and function. To our knowledge, functional studies have not been reported for this variant. This variant has not been reported in individuals affected with MSH6-related disorders in the literature. This variant has not been identified in the general population by the Genome Aggregation Database (gnomAD). The available evidence is insufficient to determine the role of this variant in disease conclusively. Therefore, this variant is classified as a Variant of Uncertain Significance.

Ambry Genetics
Classification: Uncertain significance for Hereditary cancer-predisposing syndrome. Last evaluated: 2017-11-14. Review status: criteria provided, single submitter. Criteria: Ambry Variant Classification Scheme 2023. Collection method: clinical testing. Allele origin: germline.